The following is an entry in ClinVar:

ClinVar aggregate classification (germline): Conflicting classifications of pathogenicity. Review status: criteria provided, conflicting classifications (1 of 4 stars). 7 submissions from 6 submitters: Uncertain significance (2); Benign (1); Likely benign (4). Last evaluated 2026-02-03.

Conditions:
Hypercholesterolemia, autosomal dominant, type B (FHCL2). Also called: Familial Hypercholesterolemia Type B; Hyperlipoproteinemia Type IIb; Familial hypercholesterolemia 2; APOB-Related Familial Hypercholesterolemia, Autosomal Dominant; APOLIPOPROTEIN B-100, FAMILIAL DEFECTIVE; APOLIPOPROTEIN B-100, FAMILIAL LIGAND-DEFECTIVE. Identifiers: MedGen C1704417, MONDO:0007751, OMIM 144010.
Familial hypobetalipoproteinemia 1. Also called: APOB-Related Familial Hypobetalipoproteinemia; Hypobetalipoproteinemia, normotriglyceridemic; Acanthocytosis with hypobetalipoproteinemia. Identifiers: MedGen C4551990, MONDO:0014252, OMIM 615558.
Cardiovascular phenotype. Identifiers: MedGen CN230736.
Familial hypercholesterolemia. Also called: Familial hypercholesterolaemia; Familial hypercholesterolemias. Identifiers: MedGen C0020445, MONDO:0005439.

Allele frequency attached by ClinVar (database versions not stated): gnomAD 0.00003 and 0.00007; TOPMed 0.00006; ESP Exome Variant Server 0.00008; gnomAD exomes 0.00015 and 0.00027; 1000 Genomes Project 30x 0.00016; 1000 Genomes Project 0.00020; ExAC 0.00027.
gnomAD v4.1: 240 of 1,613,922 alleles (0.015%); highest among the groups gnomAD compares: South Asian, 0.16%; 2 homozygotes.

Submissions (7):

Labcorp Genetics (formerly Invitae), Labcorp
Classification: Benign for Familial hypobetalipoproteinemia 1; Hypercholesterolemia, autosomal dominant, type B. Last evaluated: 2026-02-03. Review status: criteria provided, single submitter. Criteria: Invitae Variant Classification Sherloc (09022015). Collection method: clinical testing. Allele origin: germline.

CeGaT Center for Human Genetics Tuebingen
Classification: Likely benign. Last evaluated: 2026-01-01. Review status: criteria provided, single submitter. Criteria: CeGaT Center For Human Genetics Tuebingen Variant Classification Criteria Version 2. Collection method: clinical testing. Allele origin: germline. Affected: yes. Observed: 3 variant alleles.
Comment: APOB: BP4, BP7

GENinCode PLC
Classification: Likely benign for Familial hypercholesterolemia. Last evaluated: 2025-01-09. Review status: criteria provided, single submitter. Criteria: ACMG Guidelines, 2015. Collection method: clinical testing. Allele origin: germline.
Comment: This is a synonymous (silent) variant that is not predicted to impact splicing and occurs at a nucleotide which is not highly conserved. This variant has been classified as Likely Benign (BP4, BP7).

Blueprint Genetics
Classification: Likely benign. Last evaluated: 2024-11-05. Review status: criteria provided, single submitter. Criteria: ACMG Guidelines, 2015. Collection method: clinical testing. Allele origin: germline.

Ambry Genetics
Classification: Likely benign for Cardiovascular phenotype. Last evaluated: 2018-05-07. Review status: criteria provided, single submitter. Criteria: Ambry Variant Classification Scheme 2023. Collection method: clinical testing. Allele origin: germline.

Illumina Laboratory Services, Illumina
Classification: Uncertain significance for Familial hypobetalipoproteinemia 1. Last evaluated: 2018-01-13. Review status: criteria provided, single submitter. Criteria: ICSL Variant Classification Criteria 13 December 2019. Collection method: clinical testing. Allele origin: germline.

Illumina Laboratory Services, Illumina
Classification: Uncertain significance for Hypercholesterolemia, autosomal dominant, type B. Last evaluated: 2018-01-13. Review status: criteria provided, single submitter. Criteria: ICSL Variant Classification Criteria 13 December 2019. Collection method: clinical testing. Allele origin: germline.

NM_000384.3(APOB):c.4299G>A (p.Ser1433=)

Gene: APOB (apolipoprotein B; minus strand). Cytogenetic location: 2p24.1.
Variant type: single nucleotide variant.
Coding change: c.4299G>A on transcript NM_000384.3 (MANE Select); coding-DNA position 4299, G replaced by A.
Protein change: p.Ser1433=; no amino-acid change (serine 1433 retained).
Molecular consequence: synonymous variant.
Genome position (GRCh38, 1-based): chr2:21,012,569, C>T on the plus strand (G>A on the coding strand, the complement: APOB is on the minus strand). VCF-style: chr2-21012569-C-T. GRCh37 (hg19) VCF-style: chr2-21235441-C-T.
Identifiers: ClinVar variation 630517 (VCV000630517.54), dbSNP rs376103623, ClinGen allele CA060846.